The following is an entry in ClinVar:

NM_001283009.2(RTEL1):c.2309_2311del (p.Gly770del)

Genes: RTEL1 (regulator of telomere elongation helicase 1; plus strand), RTEL1-TNFRSF6B (RTEL1-TNFRSF6B readthrough (NMD candidate); plus strand). Cytogenetic location: 20q13.33.
Variant type: Deletion.
Coding change: c.2309_2311del on transcript NM_001283009.2 (MANE Select); coding-DNA positions 2309 to 2311, 3 bases deleted (GAG; older notation c.2309_2311delGAG).
Protein change: p.Gly770del; deletes glycine 770.
Molecular consequence: inframe deletion. On other transcripts: non-coding transcript variant (1).
Genome position (GRCh38, 1-based): chr20:63,690,337-63,690,339, GAG deleted; deleting any 3 consecutive bases within chr20:63,690,336-63,690,339 gives the same sequence; the c. name uses the placement nearest the transcript's 3' end. VCF-style (leftmost placement, unchanged base first): chr20-63690335-TGGA-T. GRCh37 (hg19) VCF-style: chr20-62321688-TGGA-T.
Other names: c.1640_1642del, p.Gly547del (NM_001283010.1); c.2309_2311del, p.Gly770del (NM_016434.4); c.2381_2383del, p.Gly794del (NM_032957.5); c.2381_2383delGAG (NM_032957.4); short protein forms G770del, G794del, G547del.
Identifiers: ClinVar variation 555184 (VCV000555184.13), dbSNP rs1555812033, ClinGen allele CA658824156.

ClinVar aggregate classification (germline): Uncertain significance. Review status: criteria provided, single submitter (1 of 4 stars). 2 submissions from 2 submitters: Uncertain significance (1). 1 of the submissions does not count toward it. Last evaluated 2021-08-30.

Conditions:
Dyskeratosis congenita, autosomal recessive 5 (DKCB5). Identifiers: MedGen C3554656, MONDO:0014076, OMIM 615190.
Pulmonary fibrosis and/or bone marrow failure, Telomere-related, 3. Also called: PULMONARY FIBROSIS AND/OR BONE MARROW FAILURE SYNDROME, TELOMERE-RELATED, 3. Identifiers: Orphanet 2032, MedGen C4225346, MONDO:0014613, OMIM 616373.

Submissions (2):

Labcorp Genetics (formerly Invitae), Labcorp
Classification: Uncertain significance for Dyskeratosis congenita, autosomal recessive 5; Pulmonary fibrosis and/or bone marrow failure, Telomere-related, 3. Last evaluated: 2021-08-30. Review status: criteria provided, single submitter. Criteria: Invitae Variant Classification Sherloc (09022015). Collection method: clinical testing. Allele origin: germline.
Comment: This variant, c.2309_2311del, results in the deletion of 1 amino acid(s) of the RTEL1 protein (p.Gly770del), but otherwise preserves the integrity of the reading frame. This variant is not present in population databases (ExAC no frequency). This variant has not been reported in the literature in individuals affected with RTEL1-related conditions. ClinVar contains an entry for this variant (Variation ID: 555184). Experimental studies and prediction algorithms are not available or were not evaluated, and the functional significance of this variant is currently unknown. In summary, the available evidence is currently insufficient to determine the role of this variant in disease. Therefore, it has been classified as a Variant of Uncertain Significance.

Counsyl
Classification: Uncertain significance for Dyskeratosis congenita, autosomal recessive 5. Last evaluated: 2017-11-21. Review status: no assertion criteria provided. Collection method: clinical testing. Allele origin: unknown. Not counted in ClinVar's aggregate classification.